The following is an entry in ClinVar:

NM_003072.5(SMARCA4):c.3760G>A (p.Glu1254Lys)

Gene: SMARCA4 (SWI/SNF related BAF chromatin remodeling complex subunit ATPase 4; plus strand). Cytogenetic location: 19p13.2.
Variant type: single nucleotide variant.
Coding change: c.3760G>A on transcript NM_003072.5 (MANE Select); coding-DNA position 3760, G replaced by A.
Protein change: p.Glu1254Lys; replaces glutamic acid 1254 with lysine.
Molecular consequence: missense variant. On other transcripts: non-coding transcript variant (1).
Genome position (GRCh38, 1-based): chr19:11,033,503, G>A. VCF-style: chr19-11033503-G-A. GRCh37 (hg19) VCF-style: chr19-11144179-G-A.
Other names: c.3760G>A, p.Glu1254Lys (NM_001128844.3, NM_001128845.2, NM_001128846.2 and 5 more transcripts); short protein forms E1254K.
Identifiers: ClinVar variation 1383981 (VCV001383981.9), dbSNP rs2146655256, ClinGen allele CA404066167.

ClinVar aggregate classification (germline): Uncertain significance. Review status: criteria provided, multiple submitters, no conflicts (2 of 4 stars). 3 submissions from 3 submitters: Uncertain significance (3). Last evaluated 2025-03-29.

Conditions:
Hereditary cancer-predisposing syndrome. Also called: Tumor predisposition; Neoplastic Syndromes, Hereditary; Hereditary Cancer Syndrome; Hereditary neoplastic syndrome. Identifiers: Orphanet 140162, MedGen C0027672, MeSH D009386, MONDO:0015356.
Rhabdoid tumor predisposition syndrome 2 (RTPS2). Identifiers: Orphanet 231108, Orphanet 69077, MedGen C2750074, MONDO:0013224, OMIM 613325.

Submissions (3):

Labcorp Genetics (formerly Invitae), Labcorp
Classification: Uncertain significance for Rhabdoid tumor predisposition syndrome 2. Last evaluated: 2025-03-29. Review status: criteria provided, single submitter. Criteria: Invitae Variant Classification Sherloc (09022015). Collection method: clinical testing. Allele origin: germline.
Comment: This sequence change replaces glutamic acid, which is acidic and polar, with lysine, which is basic and polar, at codon 1254 of the SMARCA4 protein (p.Glu1254Lys). This variant is not present in population databases (gnomAD no frequency). This variant has not been reported in the literature in individuals affected with SMARCA4-related conditions. ClinVar contains an entry for this variant (Variation ID: 1383981). Invitae Evidence Modeling of protein sequence and biophysical properties (such as structural, functional, and spatial information, amino acid conservation, physicochemical variation, residue mobility, and thermodynamic stability) has been performed for this missense variant. However, the output from this modeling did not meet the statistical confidence thresholds required to predict the impact of this variant on SMARCA4 protein function. In summary, the available evidence is currently insufficient to determine the role of this variant in disease. Therefore, it has been classified as a Variant of Uncertain Significance.

Sema4
Classification: Uncertain significance for Hereditary cancer-predisposing syndrome. Last evaluated: 2021-08-17. Review status: criteria provided, single submitter. Criteria: Sema4 Curation Guidelines. Collection method: curation. Allele origin: germline.
Comment: The SMARCA4 c.3760G>A (p.E1254K) variant has not been reported in the literature to our knowledge. It was not observed in the large and broad cohorts of the Genome Aggregation Database and has not been reported in ClinVar. In silico tools suggest the impact of the variant on protein function is deleterious, though these predictions have not been confirmed by functional studies. The evidence is insufficient to meet ACMG/AMP criteria for classifying the variant as benign or pathogenic. Thus, the clinical significance of this variant is currently uncertain.

Ambry Genetics
Classification: Uncertain significance for Hereditary cancer-predisposing syndrome. Last evaluated: 2021-02-25. Review status: criteria provided, single submitter. Criteria: Ambry Variant Classification Scheme 2023. Collection method: clinical testing. Allele origin: germline.
Comment: The p.E1254K variant (also known as c.3760G>A), located in coding exon 25 of the SMARCA4 gene, results from a G to A substitution at nucleotide position 3760. The glutamic acid at codon 1254 is replaced by lysine, an amino acid with similar properties. This amino acid position is highly conserved in available vertebrate species. In addition, this alteration is predicted to be deleterious by in silico analysis. Loss-of-function variants in SMARCA4 are known to cause rhabdoid tumor predisposition syndrome including small cell carcinoma of the ovary-hypercalcemic type (SCCOHT); however, such associations with neurodevelopmental disorders are exceedingly rare (Kosho T et al. Am J Med Genet C Semin Med Genet. 2014 Sep;166C(3):262-75; Jelinic P et al. Nat Genet. 2014 May;46(5):424-6). Since supporting evidence is limited at this time, the clinical significance of this alteration remains unclear.